The following is an entry in ClinVar:

NM_001370259.2(MEN1):c.207dup (p.Asp70fs)

Gene: MEN1 (menin 1; minus strand). Cytogenetic location: 11q13.1.
Variant type: Duplication.
Coding change: c.207dup on transcript NM_001370259.2 (MANE Select); coding-DNA position 207, one base duplicated (C; older notation c.207dupC).
Protein change: p.Asp70fs; shifts the reading frame from aspartic acid 70.
Molecular consequence: frameshift variant. On other transcripts: non-coding transcript variant (4).
Genome position (GRCh38, 1-based): chr11:64,809,903, G duplicated on the plus strand (C on the coding strand, the reverse complement: MEN1 is on the minus strand); the first of 5 consecutive G bases (chr11:64,809,903-64,809,907); duplicating any one gives the same sequence. VCF-style (leftmost placement, unchanged base first): chr11-64809902-C-CG. GRCh37 (hg19) VCF-style: chr11-64577374-C-CG.
Other names: c.207dup, p.Asp70fs (NM_000244.4, NM_001370251.2, NM_001370260.2 and 20 more transcripts); short protein forms D70fs.
Identifiers: ClinVar variation 3637293 (VCV003637293.3).

ClinVar aggregate classification (germline): Pathogenic. Review status: criteria provided, multiple submitters, no conflicts (2 of 4 stars). 2 submissions from 2 submitters: Pathogenic (2). Last evaluated 2024-09-06.

Conditions:
MEN1-related disorder. Also called: MEN1-related condition.
Multiple endocrine neoplasia, type 1 (MEN1). Also called: MEN I; WERMER SYNDROME; Endocrine adenomatosis multiple; MEN 1; MEA I. Identifiers: Orphanet 652, MedGen C0025267, MeSH D018761, MONDO:0007540, OMIM 131100.

Submissions (2):

Blueprint Genetics
Classification: Pathogenic for MEN1-related disorders. Last evaluated: 2024-09-06. Review status: criteria provided, single submitter. Criteria: ACMG Guidelines, 2015. Collection method: clinical testing. Allele origin: germline. Affected: yes. Observed: 1 variant allele.

Labcorp Genetics (formerly Invitae), Labcorp
Classification: Pathogenic for Multiple endocrine neoplasia, type 1. Last evaluated: 2024-01-28. Review status: criteria provided, single submitter. Criteria: Invitae Variant Classification Sherloc (09022015). Collection method: clinical testing. Allele origin: germline.
Comment: This sequence change creates a premature translational stop signal (p.Asp70Argfs*47) in the MEN1 gene. It is expected to result in an absent or disrupted protein product. Loss-of-function variants in MEN1 are known to be pathogenic (PMID: 12112656, 17853334). This variant is not present in population databases (gnomAD no frequency). This premature translational stop signal has been observed in individual(s) with corticotroph adenoma (PMID: 26126205). For these reasons, this variant has been classified as Pathogenic.

Literature cited by the submitters: PubMed 12112656 (cited by Labcorp Genetics (formerly Invitae), Labcorp); PubMed 17853334 (cited by Labcorp Genetics (formerly Invitae), Labcorp); PubMed 26126205 (cited by Labcorp Genetics (formerly Invitae), Labcorp).